The following is an entry in ClinVar:

ClinVar aggregate classification (germline): Uncertain significance (1 of 4 stars; one submission).

Conditions:
Joubert syndrome. Also called: CEREBELLOPARENCHYMAL DISORDER IV; JOUBERT-BOLTSHAUSER SYNDROME; Familial aplasia of the vermis. Identifiers: Orphanet 475, MedGen C5979921, MONDO:0018772.

Allele frequency attached by ClinVar (database versions not stated): gnomAD exomes below 0.00001 and 0.00001; gnomAD 0.00001; TOPMed 0.00001.
gnomAD v4.1: 2 of 1,557,244 alleles (0.00013%); highest among the groups gnomAD compares: African/African-American, 0.0027%; no homozygotes.

Submission:

Labcorp Genetics (formerly Invitae), Labcorp
Classification: Uncertain significance for Joubert syndrome. Last evaluated: 2023-08-10. Review status: criteria provided, single submitter. Criteria: Invitae Variant Classification Sherloc (09022015). Collection method: clinical testing. Allele origin: germline.
Comment: In summary, the available evidence is currently insufficient to determine the role of this variant in disease. Therefore, it has been classified as a Variant of Uncertain Significance. Advanced modeling of protein sequence and biophysical properties (such as structural, functional, and spatial information, amino acid conservation, physicochemical variation, residue mobility, and thermodynamic stability) performed at Invitae indicates that this missense variant is expected to disrupt INPP5E protein function. ClinVar contains an entry for this variant (Variation ID: 1479783). This variant has not been reported in the literature in individuals affected with INPP5E-related conditions. The frequency data for this variant in the population databases is considered unreliable, as metrics indicate poor data quality at this position in the gnomAD database. This sequence change replaces aspartic acid, which is acidic and polar, with valine, which is neutral and non-polar, at codon 567 of the INPP5E protein (p.Asp567Val).

NM_019892.6(INPP5E):c.1700A>T (p.Asp567Val)

Gene: INPP5E (inositol polyphosphate-5-phosphatase E; minus strand). Cytogenetic location: 9q34.3.
Variant type: single nucleotide variant.
Coding change: c.1700A>T on transcript NM_019892.6 (MANE Select); coding-DNA position 1700, A replaced by T.
Protein change: p.Asp567Val; replaces aspartic acid 567 with valine.
Molecular consequence: missense variant.
Genome position (GRCh38, 1-based): chr9:136,430,379, T>A on the plus strand (A>T on the coding strand, the complement: INPP5E is on the minus strand). VCF-style: chr9-136430379-T-A. GRCh37 (hg19) VCF-style: chr9-139324831-T-A.
Other names: c.1697A>T, p.Asp566Val (NM_001318502.2); short protein forms D567V, D566V.
Identifiers: ClinVar variation 1479783 (VCV001479783.6), dbSNP rs779177166, ClinGen allele CA5336678.